The following is an entry in ClinVar:

ClinVar aggregate classification (germline): Uncertain significance (1 of 4 stars; one submission).

Conditions:
Pityriasis rubra pilaris (PRP). Also called: Pityriasis rubra pilaris--familial type. Identifiers: Orphanet 2897, MedGen C0032027, MONDO:0100017, OMIM 173200, MONDO:0008251.
Psoriasis 2. Identifiers: MedGen C1864497, MONDO:0011269, OMIM 602723.

Submission:

Labcorp Genetics (formerly Invitae), Labcorp
Classification: Uncertain significance for Pityriasis rubra pilaris; Psoriasis 2. Last evaluated: 2021-11-05. Review status: criteria provided, single submitter. Criteria: Invitae Variant Classification Sherloc (09022015). Collection method: clinical testing. Allele origin: germline.
Comment: In summary, the available evidence is currently insufficient to determine the role of this variant in disease. Therefore, it has been classified as a Variant of Uncertain Significance. This sequence change replaces glycine, which is neutral and non-polar, with glutamic acid, which is acidic and polar, at codon 508 of the CARD14 protein (p.Gly508Glu). This variant is not present in population databases (gnomAD no frequency). This variant has not been reported in the literature in individuals affected with CARD14-related conditions. Algorithms developed to predict the effect of missense changes on protein structure and function (SIFT, PolyPhen-2, Align-GVGD) all suggest that this variant is likely to be tolerated.

NM_001366385.1(CARD14):c.1523G>A (p.Gly508Glu)

Gene: CARD14 (caspase recruitment domain family member 14; plus strand). Cytogenetic location: 17q25.3.
Variant type: single nucleotide variant.
Coding change: c.1523G>A on transcript NM_001366385.1 (MANE Select); coding-DNA position 1523, G replaced by A.
Protein change: p.Gly508Glu; replaces glycine 508 with glutamic acid.
Molecular consequence: missense variant. On other transcripts: non-coding transcript variant (1).
Genome position (GRCh38, 1-based): chr17:80,195,581, G>A. VCF-style: chr17-80195581-G-A. GRCh37 (hg19) VCF-style: chr17-78169380-G-A.
Other names: c.1523G>A, p.Gly508Glu (NM_001257970.1, NM_024110.4); c.812G>A, p.Gly271Glu (NM_052819.3); short protein forms G508E, G271E.
Identifiers: ClinVar variation 1391511 (VCV001391511.6), dbSNP rs2144317807, ClinGen allele CA401349429.
Genomic context (GRCh38, chr17:80,195,581, plus strand): 5'-GATGCAGTTTGAGCCTGCTGCTGCTTATGCTTTGCAGCAGCTGCCTGGAGATCCCGGAGG[G>A]AGACCCGGGAGCCCTGCCGGGAGCTAAGGCAGGCGACCCACACCTGGATTATGAGCTCCT-3'
Protein context (NP_001353314.1, residues 498-518): SFSSCLEIPE[Gly508Glu]DPGALPGAKA